The following is an entry in ClinVar:

ClinVar aggregate classification (germline): Benign/Likely benign. Review status: criteria provided, multiple submitters, no conflicts (2 of 4 stars). 6 submissions from 6 submitters: Benign (4); Likely benign (1). 1 of the submissions does not count toward it. Last evaluated 2026-02-02.

Conditions:
TMPRSS6-related disorder. Also called: TMPRSS6-related condition.
Microcytic anemia. Identifiers: MedGen C5194182, MONDO:0001245, HP:0001935. Disease mechanism: loss of function.

Allele frequency attached by ClinVar (database versions not stated): gnomAD 0.00361 and 0.00486; TOPMed 0.00567; ExAC 0.00865; gnomAD exomes 0.00958 and 0.00241; 1000 Genomes Project 30x 0.02358; 1000 Genomes Project 0.02596; ESP Exome Variant Server 0.00041.
gnomAD v4.1: 4,490 of 1,540,880 alleles (0.29%); highest among the groups gnomAD compares: East Asian, 8.3%; 215 homozygotes.

Submissions (6):

Labcorp Genetics (formerly Invitae), Labcorp
Classification: Benign. Last evaluated: 2026-02-02. Review status: criteria provided, single submitter. Criteria: Invitae Variant Classification Sherloc (09022015). Collection method: clinical testing. Allele origin: germline.

Blueprint Genetics
Classification: Likely benign. Last evaluated: 2024-11-27. Review status: criteria provided, single submitter. Criteria: ACMG Guidelines, 2015. Collection method: clinical testing. Allele origin: germline.

Mayo Clinic Laboratories, Mayo Clinic
Classification: Benign. Last evaluated: 2023-09-23. Review status: criteria provided, single submitter. Criteria: ACMG Guidelines, 2015. Collection method: clinical testing. Allele origin: germline. Observed: 5 variant alleles.

GeneDx
Classification: Benign. Last evaluated: 2018-11-12. Review status: criteria provided, single submitter. Criteria: GeneDx Variant Classification Process June 2021. Collection method: clinical testing. Allele origin: germline. Affected: yes.

Illumina Laboratory Services, Illumina
Classification: Benign for Iron-refractory iron deficiency anemia. Last evaluated: 2018-01-13. Review status: criteria provided, single submitter. Criteria: ICSL Variant Classification Criteria 13 December 2019. Collection method: clinical testing. Allele origin: germline.
Comment: This variant was observed in the ICSL laboratory as part of a predisposition screen in an ostensibly healthy population. It had not been previously curated by ICSL or reported in the Human Gene Mutation Database (HGMD: prior to June 1st, 2018), and was therefore a candidate for classification through an automated scoring system. Utilizing variant allele frequency, disease prevalence and penetrance estimates, and inheritance mode, an automated score was calculated to assess if this variant is too frequent to cause the disease. Based on the score and internal cut-off values, a variant classified as benign is not then subjected to further curation. The score for this variant resulted in a classification of benign for this disease.

PreventionGenetics, part of Exact Sciences
Classification: Benign for TMPRSS6-related condition. Last evaluated: 2019-04-12. Review status: no assertion criteria provided. Collection method: clinical testing. Allele origin: germline. Not counted in ClinVar's aggregate classification.
Comment: This variant is classified as benign based on ACMG/AMP sequence variant interpretation guidelines (Richards et al. 2015 PMID: 25741868, with internal and published modifications).

NM_001374504.1(TMPRSS6):c.2112C>T (p.Gly704=)

Gene: TMPRSS6 (transmembrane serine protease 6; minus strand). Cytogenetic location: 22q12.3.
Variant type: single nucleotide variant.
Coding change: c.2112C>T on transcript NM_001374504.1 (MANE Select); coding-DNA position 2112, C replaced by T.
Protein change: p.Gly704=; no amino-acid change (glycine 704 retained).
Molecular consequence: synonymous variant.
Genome position (GRCh38, 1-based): chr22:37,069,074, G>A on the plus strand (C>T on the coding strand, the complement: TMPRSS6 is on the minus strand). VCF-style: chr22-37069074-G-A. GRCh37 (hg19) VCF-style: chr22-37465114-G-A.
Other names: p.Gly713=; c.2112C>T, p.Gly704= (NM_001289000.2, NM_001289001.2, NM_153609.4).
Identifiers: ClinVar variation 341579 (VCV000341579.19), dbSNP rs118004991, ClinGen allele CA10215374.